The following is an entry in ClinVar:

ClinVar aggregate classification (germline): Pathogenic (1 of 4 stars; one submission).

Conditions:
ALG3-congenital disorder of glycosylation. Also called: ALG3-CDG; CARBOHYDRATE-DEFICIENT GLYCOPROTEIN SYNDROME, TYPE IV; CDGS, TYPE IV; CDG Id; CONGENITAL DISORDER OF GLYCOSYLATION, TYPE Id. Identifiers: Orphanet 79321, MedGen C1832736, MONDO:0010998, OMIM 601110.

Submission:

Labcorp Genetics (formerly Invitae), Labcorp
Classification: Pathogenic for ALG3-congenital disorder of glycosylation. Last evaluated: 2024-04-22. Review status: criteria provided, single submitter. Criteria: Invitae Variant Classification Sherloc (09022015). Collection method: clinical testing. Allele origin: germline.
Comment: This sequence change results in a frameshift in the ALG3 gene (p.Asn397Glufs*99). While this is not anticipated to result in nonsense mediated decay, it is expected to disrupt the last 42 amino acid(s) of the ALG3 protein and extend the protein by 56 additional amino acid residues. This variant is not present in population databases (gnomAD no frequency). This variant has not been reported in the literature in individuals affected with ALG3-related conditions. ClinVar contains an entry for this variant (Variation ID: 2000151). This variant disrupts a region of the ALG3 protein in which other variant(s) (p.Trp421*) have been determined to be pathogenic (PMID: 31067009). This suggests that this is a clinically significant region of the protein, and that variants that disrupt it are likely to be disease-causing. For these reasons, this variant has been classified as Pathogenic.

Literature cited by the submitters: PubMed 31067009.

NM_005787.6(ALG3):c.1188dup (p.Asn397fs)

Gene: ALG3 (ALG3 alpha-1,3- mannosyltransferase; minus strand). Cytogenetic location: 3q27.1.
Variant type: Duplication.
Coding change: c.1188dup on transcript NM_005787.6 (MANE Select); coding-DNA position 1188, one base duplicated (G; older notation c.1188dupG).
Protein change: p.Asn397fs; shifts the reading frame from asparagine 397.
Molecular consequence: frameshift variant. On other transcripts: non-coding transcript variant (2).
Genome position (GRCh38, 1-based): chr3:184,242,643, C duplicated on the plus strand (G on the coding strand, the reverse complement: ALG3 is on the minus strand); the first of 2 consecutive C bases (chr3:184,242,643-184,242,644); duplicating either gives the same sequence. VCF-style (leftmost placement, unchanged base first): chr3-184242642-T-TC. GRCh37 (hg19) VCF-style: chr3-183960430-T-TC.
Other names: c.1044dup, p.Asn349fs (NM_001006941.2); c.1082dup, p.Asn362Glufs (NM_001006942.1); short protein forms N397fs, N349fs.
Identifiers: ClinVar variation 2000151 (VCV002000151.4), dbSNP rs2473846363, ClinGen allele CA2580070474.